The following is an entry in ClinVar:

NM_005458.8(GABBR2):c.2623T>A (p.Cys875Ser)

Gene: GABBR2 (gamma-aminobutyric acid type B receptor subunit 2; minus strand). Cytogenetic location: 9q22.33.
Variant type: single nucleotide variant.
Coding change: c.2623T>A on transcript NM_005458.8 (MANE Select); coding-DNA position 2623, T replaced by A.
Protein change: p.Cys875Ser; replaces cysteine 875 with serine.
Molecular consequence: missense variant.
Genome position (GRCh38, 1-based): chr9:98,293,822, A>T on the plus strand (T>A on the coding strand, the complement: GABBR2 is on the minus strand). VCF-style: chr9-98293822-A-T. GRCh37 (hg19) VCF-style: chr9-101056104-A-T.
Other names: short protein forms C875S.
Identifiers: ClinVar variation 2626953 (VCV002626953.1), dbSNP rs2491174918, ClinGen allele CA374210055.
Genomic context (GRCh38, chr9:98,293,822, plus strand): 5'-ATTCTCAAGGAGAAGGTACTTACTGTTCTGGAGAGTTTATATCTTCTATAGGATCTTTGC[A>T]TGTTCGAGAGGGCTCTGTTGTGTTCCACTGTAGCTGGGGATTTTGATCGAGGTGATTTTT-3'
Protein context (NP_005449.5, residues 865-885): QWNTTEPSRT[Cys875Ser]KDPIEDINSP

ClinVar aggregate classification (germline): Uncertain significance (1 of 4 stars; one submission).

Submission:

Greenwood Genetic Center Diagnostic Laboratories, Greenwood Genetic Center
Classification: Uncertain significance. Last evaluated: 2023-09-19. Review status: criteria provided, single submitter. Criteria: ACMG Guidelines, 2015. Collection method: clinical testing. Allele origin: germline. Affected: yes.
Comment: PM2